The following is an entry in ClinVar:

NM_001276270.2(MBD4):c.433G>A (p.Val145Ile)

Gene: MBD4 (methyl-CpG binding domain 4, DNA glycosylase; minus strand). Cytogenetic location: 3q21.3.
Variant type: single nucleotide variant.
Coding change: c.433G>A on transcript NM_001276270.2 (MANE Select); coding-DNA position 433, G replaced by A.
Protein change: p.Val145Ile; replaces valine 145 with isoleucine.
Molecular consequence: missense variant. On other transcripts: intron variant (1).
Genome position (GRCh38, 1-based): chr3:129,437,211, C>T on the plus strand (G>A on the coding strand, the complement: MBD4 is on the minus strand). VCF-style: chr3-129437211-C-T. GRCh37 (hg19) VCF-style: chr3-129156054-C-T.
Other names: c.433G>A, p.Val145Ile (NM_001276271.2, NM_001276272.2, NM_003925.3); c.247+597G>A (NM_001276273.2); short protein forms V145I.
Identifiers: ClinVar variation 3870924 (VCV003870924.1).

ClinVar aggregate classification (germline): Uncertain significance (1 of 4 stars; one submission).

Conditions:
Inborn genetic diseases. Identifiers: MedGen C0950123, MeSH D030342.

gnomAD v4.1: 2 of 1,613,452 alleles (0.00012%); highest among the groups gnomAD compares: Non-Finnish European, 0.00017%; no homozygotes.

Submission:

Ambry Genetics
Classification: Uncertain significance for Inborn genetic diseases. Last evaluated: 2025-02-04. Review status: criteria provided, single submitter. Criteria: Ambry Variant Classification Scheme 2023. Collection method: clinical testing. Allele origin: germline.
Comment: The p.V145I variant (also known as c.433G>A), located in coding exon 3 of the MBD4 gene, results from a G to A substitution at nucleotide position 433. The valine at codon 145 is replaced by isoleucine, an amino acid with highly similar properties. This amino acid position is conserved. In addition, this alteration is predicted to be tolerated by in silico analysis. Based on the available evidence, the clinical significance of this variant remains unclear.